The following is an entry in ClinVar:

NC_000020.11:g.(?_36951436)_(36951643_?)del

Gene: SAMHD1 (SAM and HD domain containing deoxynucleoside triphosphate triphosphohydrolase 1; minus strand). Cytogenetic location: 20q11.23.
Variant type: Deletion.
Identifiers: ClinVar variation 833165 (VCV000833165.1).

ClinVar aggregate classification (germline): Pathogenic (1 of 4 stars; one submission).

Conditions:
Aicardi-Goutieres syndrome 5. Identifiers: Orphanet 51, MedGen C2749659, MONDO:0013059, OMIM 612952.

Submission:

Labcorp Genetics (formerly Invitae), Labcorp
Classification: Pathogenic for Aicardi Goutieres syndrome 5. Last evaluated: 2019-10-15. Review status: criteria provided, single submitter. Criteria: Invitae Variant Classification Sherloc (09022015). Collection method: clinical testing. Allele origin: germline.
Comment: This variant is a gross deletion of the genomic region encompassing exon 1 of the SAMHD1 gene, which includes the initiator codon. The 5' end of this event is unknown as it extends beyond the assayed region for this gene and therefore may encompass additional genes. The 3' boundary is likely confined to intron 1 of the SAMHD1 gene. This is expected to result in an absent or disrupted protein product. Gross deletions of exon 1 have been observed in individuals affected with Aicardi-Goutieres syndrome (PMID: 20653736, 24183309). Loss-of-function variants in SAMHD1 are known to be pathogenic (PMID: 19525956, 22461318). For these reasons, this variant has been classified as Pathogenic.

Literature cited by the submitters: PubMed 24183309; PubMed 20653736.